The following is an entry in ClinVar:

NM_022828.5(YTHDC2):c.4030-7C>A

Gene: YTHDC2 (YTH N6-methyladenosine RNA binding protein C2; plus strand). Cytogenetic location: 5q22.2.
Variant type: single nucleotide variant.
Coding change: c.4030-7C>A on transcript NM_022828.5 (MANE Select); 7 bases into the intron before coding-DNA position 4030, C replaced by A.
Molecular consequence: intron variant.
Genome position (GRCh38, 1-based): chr5:113,591,989, C>A. VCF-style: chr5-113591989-C-A. GRCh37 (hg19) VCF-style: chr5-112927686-C-A.
Other names: NC_000005.9:g.112927686C>A; c.3544-7C>A (NM_001345975.2); c.3130-7C>A (NM_001345976.2).
Identifiers: ClinVar variation 3060952 (VCV003060952.3), dbSNP rs10077431, ClinGen allele CA3372638.

ClinVar aggregate classification (germline): Benign (0 of 4 stars; one submission).

Conditions:
YTHDC2-related disorder. Also called: YTHDC2-related condition.

Allele frequency attached by ClinVar (database versions not stated): 1000 Genomes Project 30x 0.12508; 1000 Genomes Project 0.12540; TOPMed 0.15612; gnomAD 0.16023; ESP Exome Variant Server 0.17592; ExAC 0.17607; gnomAD exomes 0.19461.

Submissions (11):

PreventionGenetics, part of Exact Sciences
Classification: Benign for YTHDC2-related condition. Last evaluated: 2019-10-29. Review status: no assertion criteria provided. Collection method: clinical testing. Allele origin: germline.
Comment: This variant is classified as benign based on ACMG/AMP sequence variant interpretation guidelines (Richards et al. 2015 PMID: 25741868, with internal and published modifications).

Dr. Peter K. Rogan Lab, Western University
No classification provided (evidence only). Condition: Familial cancer of breast. Review status: no classification provided. Collection method: in vitro. Allele origin: not applicable. Functional consequence: retained intron. Not counted in ClinVar's aggregate classification.

Dr. Peter K. Rogan Lab, Western University
No classification provided (evidence only). Condition: Malignant lymphoma, large B-cell, diffuse. Review status: no classification provided. Collection method: in vitro. Allele origin: not applicable. Functional consequence: retained intron. Not counted in ClinVar's aggregate classification.

Dr. Peter K. Rogan Lab, Western University
No classification provided (evidence only). Condition: Malignant lymphoma, large B-cell, diffuse. Review status: no classification provided. Collection method: in vitro. Allele origin: not applicable. Functional consequence: retained intron. Not counted in ClinVar's aggregate classification.

Dr. Peter K. Rogan Lab, Western University
No classification provided (evidence only). Condition: Malignant lymphoma, large B-cell, diffuse. Review status: no classification provided. Collection method: in vitro. Allele origin: not applicable. Functional consequence: retained intron. Not counted in ClinVar's aggregate classification.

Dr. Peter K. Rogan Lab, Western University
No classification provided (evidence only). Condition: Malignant lymphoma, large B-cell, diffuse. Review status: no classification provided. Collection method: in vitro. Allele origin: not applicable. Functional consequence: retained intron. Not counted in ClinVar's aggregate classification.

Dr. Peter K. Rogan Lab, Western University
No classification provided (evidence only). Condition: Hepatocellular carcinoma. Review status: no classification provided. Collection method: in vitro. Allele origin: not applicable. Functional consequence: retained intron. Not counted in ClinVar's aggregate classification.

Dr. Peter K. Rogan Lab, Western University
No classification provided (evidence only). Condition: Hepatocellular carcinoma. Review status: no classification provided. Collection method: in vitro. Allele origin: not applicable. Functional consequence: retained intron. Not counted in ClinVar's aggregate classification.

Dr. Peter K. Rogan Lab, Western University
No classification provided (evidence only). Condition: Hepatocellular carcinoma. Review status: no classification provided. Collection method: in vitro. Allele origin: not applicable. Functional consequence: retained intron. Not counted in ClinVar's aggregate classification.

Dr. Peter K. Rogan Lab, Western University
No classification provided (evidence only). Condition: Hepatocellular carcinoma. Review status: no classification provided. Collection method: in vitro. Allele origin: not applicable. Functional consequence: retained intron. Not counted in ClinVar's aggregate classification.

Dr. Peter K. Rogan Lab, Western University
No classification provided (evidence only). Condition: Hepatocellular carcinoma. Review status: no classification provided. Collection method: in vitro. Allele origin: not applicable. Functional consequence: retained intron. Not counted in ClinVar's aggregate classification.